The following is an entry in ClinVar:

ClinVar aggregate classification (germline): Conflicting classifications of pathogenicity. Review status: criteria provided, conflicting classifications (1 of 4 stars). 3 submissions from 3 submitters: Uncertain significance (1); Likely benign (2). Last evaluated 2025-11-22.

Allele frequency attached by ClinVar (database versions not stated): ExAC 0.00001; gnomAD 0.00001 and 0.00003; gnomAD exomes 0.00001; TOPMed 0.00002.
gnomAD v4.1: 23 of 1,613,790 alleles (0.0014%); highest among the groups gnomAD compares: African/African-American, 0.0053%; no homozygotes.

Submissions (3):

Labcorp Genetics (formerly Invitae), Labcorp
Classification: Likely benign. Last evaluated: 2025-11-22. Review status: criteria provided, single submitter. Criteria: Invitae Variant Classification Sherloc (09022015). Collection method: clinical testing. Allele origin: germline.

Blueprint Genetics
Classification: Likely benign. Last evaluated: 2024-11-25. Review status: criteria provided, single submitter. Criteria: ACMG Guidelines, 2015. Collection method: clinical testing. Allele origin: germline.

GeneDx
Classification: Uncertain significance. Last evaluated: 2022-12-28. Review status: criteria provided, single submitter. Criteria: GeneDx Variant Classification Process June 2021. Collection method: clinical testing. Allele origin: germline. Affected: yes.
Comment: In silico analysis supports that this missense variant does not alter protein structure/function; Has not been previously published as pathogenic or benign to our knowledge

NM_032119.4(ADGRV1):c.4463G>A (p.Arg1488Gln)

Gene: ADGRV1 (adhesion G protein-coupled receptor V1; plus strand). Cytogenetic location: 5q14.3.
Variant type: single nucleotide variant.
Coding change: c.4463G>A on transcript NM_032119.4 (MANE Select); coding-DNA position 4463, G replaced by A.
Protein change: p.Arg1488Gln; replaces arginine 1488 with glutamine.
Molecular consequence: missense variant. On other transcripts: non-coding transcript variant (1).
Genome position (GRCh38, 1-based): chr5:90,657,989, G>A. VCF-style: chr5-90657989-G-A. GRCh37 (hg19) VCF-style: chr5-89953806-G-A.
Other names: short protein forms R1488Q.
Identifiers: ClinVar variation 949548 (VCV000949548.9), dbSNP rs748876967, ClinGen allele CA3339355.
Genomic context (GRCh38, chr5:90,657,989, plus strand): 5'-CAGGGATAAATGGCAATGACAGATTTACAGGTCTGATGCAGGATGTGAGGTCCTATGAGC[G>A]GAAACTGACGCTTGAAGAAATTTATGAACTTCATGCCATGCCCGCAAAAAGTGATTTACA-3'
Protein context (NP_115495.3, residues 1478-1498): GLMQDVRSYE[Arg1488Gln]KLTLEEIYEL